The following is an entry in ClinVar:

NM_001113378.2(FANCI):c.244C>T (p.Gln82Ter)

Gene: FANCI (FA complementation group I; plus strand). Cytogenetic location: 15q26.1.
Variant type: single nucleotide variant.
Coding change: c.244C>T on transcript NM_001113378.2 (MANE Select); coding-DNA position 244, C replaced by T.
Protein change: p.Gln82Ter; replaces glutamine 82 with a stop codon.
Molecular consequence: nonsense. On other transcripts: 5 prime UTR variant (1).
Genome position (GRCh38, 1-based): chr15:89,260,799, C>T. VCF-style: chr15-89260799-C-T. GRCh37 (hg19) VCF-style: chr15-89804030-C-T.
Other names: c.-36C>T (NM_001376910.1); c.244C>T, p.Gln82Ter (NM_001376911.1, NM_018193.3); short protein forms Q82*.
Identifiers: ClinVar variation 2721323 (VCV002721323.3), dbSNP rs2505879863, ClinGen allele CA393738033.

ClinVar aggregate classification (germline): Pathogenic (1 of 4 stars; one submission).

Conditions:
Fanconi anemia (FA). Also called: Fanconi's anemia. Identifiers: Orphanet 84, MedGen C0015625, MeSH D005199, MONDO:0019391.

Submission:

Labcorp Genetics (formerly Invitae), Labcorp
Classification: Pathogenic for Fanconi anemia. Last evaluated: 2023-06-15. Review status: criteria provided, single submitter. Criteria: Invitae Variant Classification Sherloc (09022015). Collection method: clinical testing. Allele origin: germline.
Comment: For these reasons, this variant has been classified as Pathogenic. Algorithms developed to predict the effect of sequence changes on RNA splicing suggest that this variant may disrupt the consensus splice site. This variant has not been reported in the literature in individuals affected with FANCI-related conditions. This variant is not present in population databases (gnomAD no frequency). This sequence change creates a premature translational stop signal (p.Gln82*) in the FANCI gene. It is expected to result in an absent or disrupted protein product. Loss-of-function variants in FANCI are known to be pathogenic (PMID: 17452773, 17460694).

Literature cited by the submitters: PubMed 17452773; PubMed 17460694.